The following is an entry in ClinVar:

NM_020207.7(ERCC6L2):c.3276dup (p.Cys1093fs)

Gene: ERCC6L2 (ERCC excision repair 6 like 2; plus strand). Cytogenetic location: 9q22.32.
Variant type: Duplication.
Coding change: c.3276dup on transcript NM_020207.7 (MANE Select); coding-DNA position 3276, one base duplicated (A; older notation c.3276dupA).
Protein change: p.Cys1093fs; shifts the reading frame from cysteine 1093.
Molecular consequence: frameshift variant. On other transcripts: non-coding transcript variant (1).
Genome position (GRCh38, 1-based): chr9:95,973,027, A duplicated; the last of 3 consecutive A bases (chr9:95,973,025-95,973,027); duplicating any one gives the same sequence. VCF-style (leftmost placement, unchanged base first): chr9-95973024-G-GA. GRCh37 (hg19) VCF-style: chr9-98735306-G-GA.
Other names: c.3276dup, p.Cys1093fs (NM_001375291.1, NM_001375292.1, NM_001375293.1 and 1 more transcripts); c.3276dupA (NM_020207.7); short protein forms C1093fs.
Identifiers: ClinVar variation 3064086 (VCV003064086.3), dbSNP rs2490562078, ClinGen allele CA2740095526.

ClinVar aggregate classification (germline): Likely pathogenic. Review status: criteria provided, multiple submitters, no conflicts (2 of 4 stars). 2 submissions from 2 submitters: Likely pathogenic (2). Last evaluated 2024-03-17.

Conditions:
Pancytopenia-developmental delay syndrome. Also called: Bone marrow failure syndrome 2. Identifiers: Orphanet 401764, MedGen C3810350, MONDO:0014317, OMIM 615715.

Submissions (2):

Genomic Medicine Center of Excellence, King Faisal Specialist Hospital and Research Centre
Classification: Likely pathogenic for Pancytopenia-developmental delay syndrome. Last evaluated: 2024-03-17. Review status: criteria provided, single submitter. Criteria: ACMG Guidelines, 2015. Collection method: research. Allele origin: germline.

UAEU Genomics Laboratory, United Arab Emirates University
Classification: Likely pathogenic for Pancytopenia-developmental delay syndrome. Last evaluated: 2022-11-11. Review status: criteria provided, single submitter. Criteria: ACMG Guidelines, 2015. Collection method: research. Allele origin: germline. Affected: yes. Observed: 1 variant allele.
Comment: PM2, PVS1